The following is an entry in ClinVar:

NM_002734.5(PRKAR1A):c.801A>T (p.Val267=)

Gene: PRKAR1A (protein kinase cAMP-dependent type I regulatory subunit alpha; plus strand). Cytogenetic location: 17q24.2.
Variant type: single nucleotide variant.
Coding change: c.801A>T on transcript NM_002734.5 (MANE Select); coding-DNA position 801, A replaced by T.
Protein change: p.Val267=; no amino-acid change (valine 267 retained).
Molecular consequence: synonymous variant.
Genome position (GRCh38, 1-based): chr17:68,528,901, A>T. VCF-style: chr17-68528901-A-T. GRCh37 (hg19) VCF-style: chr17-66525042-A-T.
Other names: c.801A>T, p.Val267= (NM_212471.3, NM_212472.2, NM_001276289.2 and 4 more transcripts).
Identifiers: ClinVar variation 4085780 (VCV004085780.8).

ClinVar aggregate classification (germline): Likely benign (1 of 4 stars; one submission).

Submission:

CeGaT Center for Human Genetics Tuebingen
Classification: Likely benign. Last evaluated: 2025-08-01. Review status: criteria provided, single submitter. Criteria: CeGaT Center For Human Genetics Tuebingen Variant Classification Criteria Version 2. Collection method: clinical testing. Allele origin: germline. Affected: yes. Observed: 1 variant allele.
Comment: PRKAR1A: PM2:Supporting, BP4, BP7